The following is an entry in ClinVar:

ClinVar aggregate classification (germline): Likely pathogenic. Review status: criteria provided, single submitter (1 of 4 stars). 2 submissions from 2 submitters: Likely pathogenic (1). 1 of the submissions does not count toward it. Last evaluated 2024-03-02.

Conditions:
Deficiency of butyryl-CoA dehydrogenase (ACADSD). Also called: SCAD DEFICIENCY, MILD; ACYL-CoA DEHYDROGENASE, SHORT-CHAIN, DEFICIENCY OF; SCAD Deficiency; SCADH DEFICIENCY; ACADS DEFICIENCY; Short-Chain Acyl-CoA Dehydrogenase Deficiency. Identifiers: Orphanet 26792, MedGen C0342783, MONDO:0008722, OMIM 201470. Disease mechanism: May be benign.

Submissions (2):

Labcorp Genetics (formerly Invitae), Labcorp
Classification: Likely pathogenic for Deficiency of butyryl-CoA dehydrogenase. Last evaluated: 2024-03-02. Review status: criteria provided, single submitter. Criteria: Invitae Variant Classification Sherloc (09022015). Collection method: clinical testing. Allele origin: germline.
Comment: This sequence change affects an acceptor splice site in intron 2 of the ACADS gene. It is expected to disrupt RNA splicing. Variants that disrupt the donor or acceptor splice site typically lead to a loss of protein function (PMID: 16199547), and loss-of-function variants in ACADS are known to be pathogenic (PMID: 12736383, 18523805). This variant is not present in population databases (gnomAD no frequency). This variant has not been reported in the literature in individuals affected with ACADS-related conditions. ClinVar contains an entry for this variant (Variation ID: 370534). Algorithms developed to predict the effect of sequence changes on RNA splicing suggest that this variant may disrupt the consensus splice site. In summary, the currently available evidence indicates that the variant is pathogenic, but additional data are needed to prove that conclusively. Therefore, this variant has been classified as Likely Pathogenic.

Counsyl
Classification: Likely pathogenic for Deficiency of butyryl-CoA dehydrogenase. Last evaluated: 2016-02-25. Review status: no assertion criteria provided. Collection method: clinical testing. Allele origin: unknown. Not counted in ClinVar's aggregate classification.

Literature cited by the submitters: PubMed 16199547 (cited by Labcorp Genetics (formerly Invitae), Labcorp); PubMed 12736383 (cited by Labcorp Genetics (formerly Invitae), Labcorp); PubMed 18523805 (cited by Labcorp Genetics (formerly Invitae), Labcorp).

NM_000017.4(ACADS):c.211-1G>A

Gene: ACADS (acyl-CoA dehydrogenase short chain; plus strand). Cytogenetic location: 12q24.31.
Variant type: single nucleotide variant.
Coding change: c.211-1G>A on transcript NM_000017.4 (MANE Select); the canonical splice acceptor site of the intron before coding-DNA position 211, G replaced by A.
Molecular consequence: splice acceptor variant.
Genome position (GRCh38, 1-based): chr12:120,736,985, G>A. VCF-style: chr12-120736985-G-A. GRCh37 (hg19) VCF-style: chr12-121174788-G-A.
Other names: c.211-1G>A (NM_001302554.2).
Identifiers: ClinVar variation 370534 (VCV000370534.5), dbSNP rs1057516566, ClinGen allele CA16041564.